The following is an entry in ClinVar:

ClinVar aggregate classification (germline): Uncertain significance (1 of 4 stars; one submission).

Conditions:
Emery-Dreifuss muscular dystrophy 5, autosomal dominant (EDMD5). Also called: EMERY-DREIFUSS MUSCULAR DYSTROPHY 5. Identifiers: Orphanet 261, MedGen C2751805, MONDO:0013072, OMIM 612999.

Submission:

Labcorp Genetics (formerly Invitae), Labcorp
Classification: Uncertain significance for Emery-Dreifuss muscular dystrophy 5, autosomal dominant. Last evaluated: 2020-03-09. Review status: criteria provided, single submitter. Criteria: Invitae Variant Classification Sherloc (09022015). Collection method: clinical testing. Allele origin: germline.
Comment: This sequence change replaces threonine with serine at codon 6508 of the SYNE2 protein (p.Thr6508Ser). The threonine residue is weakly conserved and there is a small physicochemical difference between threonine and serine. This variant is not present in population databases (ExAC no frequency). This variant has not been reported in the literature in individuals with SYNE2-related conditions. Algorithms developed to predict the effect of missense changes on protein structure and function are either unavailable or do not agree on the potential impact of this missense change (SIFT: "Tolerated"; PolyPhen-2: "Possibly Damaging"; Align-GVGD: "Class C0"). Algorithms developed to predict the effect of sequence changes on RNA splicing suggest that this variant may create or strengthen a splice site, but this prediction has not been confirmed by published transcriptional studies. In summary, the available evidence is currently insufficient to determine the role of this variant in disease. Therefore, it has been classified as a Variant of Uncertain Significance.

NM_182914.3(SYNE2):c.19523C>G (p.Thr6508Ser)

Gene: SYNE2 (spectrin repeat containing nuclear envelope protein 2; plus strand). Cytogenetic location: 14q23.2.
Variant type: single nucleotide variant.
Coding change: c.19523C>G on transcript NM_182914.3 (MANE Select); coding-DNA position 19523, C replaced by G.
Protein change: p.Thr6508Ser; replaces threonine 6508 with serine.
Molecular consequence: missense variant.
Genome position (GRCh38, 1-based): chr14:64,216,368, C>G. VCF-style: chr14-64216368-C-G. GRCh37 (hg19) VCF-style: chr14-64683086-C-G.
Other names: c.19454C>G, p.Thr6485Ser (NM_015180.6); c.47C>G, p.Thr16Ser (NM_182910.2); c.425C>G, p.Thr142Ser (NM_182913.4); short protein forms T142S, T16S, T6485S, T6508S.
Identifiers: ClinVar variation 1009754 (VCV001009754.8), dbSNP rs2098666518, ClinGen allele CA389960202.
Genomic context (GRCh38, chr14:64,216,368, plus strand): 5'-ATCACTACAAGCAAATGGAAGGTGACAGGAATGTTCCACCTGTTCCCCCTGCGTCCAGCA[C>G]CCCTTATAAACCACCCTATGTAAGTCTTAACTTCACTGGGAGTACAGCCTATGTCTGTGA-3'
Protein context (NP_878918.2, residues 6498-6518): NVPPVPPASS[Thr6508Ser]PYKPPYGKLL